The following is an entry in ClinVar:

ClinVar aggregate classification (germline): Uncertain significance. Review status: criteria provided, multiple submitters, no conflicts (2 of 4 stars). 2 submissions from 2 submitters: Uncertain significance (2). Last evaluated 2022-07-01.

Submissions (2):

GeneDx
Classification: Uncertain significance. Last evaluated: 2022-07-01. Review status: criteria provided, single submitter. Criteria: GeneDx Variant Classification Process June 2021. Collection method: clinical testing. Allele origin: germline. Affected: yes.
Comment: Not observed at significant frequency in large population cohorts (gnomAD); In silico analysis supports that this missense variant does not alter protein structure/function; Has not been previously published as pathogenic or benign to our knowledge

Labcorp Genetics (formerly Invitae), Labcorp
Classification: Uncertain significance. Last evaluated: 2022-04-29. Review status: criteria provided, single submitter. Criteria: Invitae Variant Classification Sherloc (09022015). Collection method: clinical testing. Allele origin: germline.
Comment: This sequence change replaces valine, which is neutral and non-polar, with leucine, which is neutral and non-polar, at codon 956 of the TJP2 protein (p.Val956Leu). This variant is not present in population databases (gnomAD no frequency). This variant has not been reported in the literature in individuals affected with TJP2-related conditions. Algorithms developed to predict the effect of missense changes on protein structure and function are either unavailable or do not agree on the potential impact of this missense change (SIFT: "Tolerated"; PolyPhen-2: "Possibly Damaging"; Align-GVGD: "Class C0"). In summary, the available evidence is currently insufficient to determine the role of this variant in disease. Therefore, it has been classified as a Variant of Uncertain Significance.

NM_004817.4(TJP2):c.2866G>C (p.Val956Leu)

Gene: TJP2 (tight junction protein 2; plus strand). Cytogenetic location: 9q21.11.
Variant type: single nucleotide variant.
Coding change: c.2866G>C on transcript NM_004817.4 (MANE Select); coding-DNA position 2866, G replaced by C.
Protein change: p.Val956Leu; replaces valine 956 with leucine.
Molecular consequence: missense variant. On other transcripts: intron variant (1).
Genome position (GRCh38, 1-based): chr9:69,248,210, G>C. VCF-style: chr9-69248210-G-C. GRCh37 (hg19) VCF-style: chr9-71863126-G-C.
Other names: c.2797G>C, p.Val933Leu (NM_001170414.2, NM_001369871.1); c.2878G>C, p.Val960Leu (NM_001170415.1, NM_001369874.1, NM_001369875.1); c.2959G>C, p.Val987Leu (NM_001170416.2); c.2791G>C, p.Val931Leu (NM_001369870.1); c.2866G>C, p.Val956Leu (NM_001369872.1, NM_201629.3); c.2667+1420G>C (NM_001369873.1); short protein forms V931L, V933L, V956L, V960L, V987L.
Identifiers: ClinVar variation 1810105 (VCV001810105.5), dbSNP rs773004575, ClinGen allele CA373538517.